The following is an entry in ClinVar:

ClinVar aggregate classification (germline): Uncertain significance. Review status: criteria provided, multiple submitters, no conflicts (2 of 4 stars). 2 submissions from 2 submitters: Uncertain significance (2). Last evaluated 2026-01-25.

Conditions:
Brugada syndrome. Also called: Sudden unexpected nocturnal death syndrome; Sudden Unexplained Nocturnal Death Syndrome (SUNDS); Sudden Unexplained Death Syndrome; Sudden unexplained nocturnal death syndrome. Identifiers: Orphanet 130, MedGen C1142166, MONDO:0015263.
Cardiovascular phenotype. Identifiers: MedGen CN230736.

Allele frequency attached by ClinVar (database versions not stated): gnomAD exomes below 0.00001.
gnomAD v4.1: 2 of 1,613,934 alleles (0.00012%); highest among the groups gnomAD compares: Non-Finnish European, 0.00017%; no homozygotes.

Submissions (2):

Ambry Genetics
Classification: Uncertain significance for Cardiovascular phenotype. Last evaluated: 2026-01-25. Review status: criteria provided, single submitter. Criteria: Ambry Variant Classification Scheme 2023. Collection method: clinical testing. Allele origin: germline.
Comment: The p.I206V variant (also known as c.616A>G), located in coding exon 5 of the SCN10A gene, results from an A to G substitution at nucleotide position 616. The isoleucine at codon 206 is replaced by valine, an amino acid with highly similar properties. This amino acid position is conserved. In addition, this alteration is predicted to be tolerated by in silico analysis. Based on the available evidence, the clinical significance of this variant remains unclear.

Labcorp Genetics (formerly Invitae), Labcorp
Classification: Uncertain significance for Brugada syndrome. Last evaluated: 2019-10-03. Review status: criteria provided, single submitter. Criteria: Invitae Variant Classification Sherloc (09022015). Collection method: clinical testing. Allele origin: germline.
Comment: This sequence change replaces isoleucine with valine at codon 206 of the SCN10A protein (p.Ile206Val). The isoleucine residue is weakly conserved and there is a small physicochemical difference between isoleucine and valine. This variant is not present in population databases (ExAC no frequency). This variant has not been reported in the literature in individuals with SCN10A-related conditions. Algorithms developed to predict the effect of missense changes on protein structure and function (SIFT, PolyPhen-2, Align-GVGD) all suggest that this variant is likely to be tolerated, but these predictions have not been confirmed by published functional studies and their clinical significance is uncertain. In summary, the available evidence is currently insufficient to determine the role of this variant in disease. Therefore, it has been classified as a Variant of Uncertain Significance.

NM_006514.4(SCN10A):c.616A>G (p.Ile206Val)

Gene: SCN10A (sodium voltage-gated channel alpha subunit 10; minus strand). Cytogenetic location: 3p22.2.
Variant type: single nucleotide variant.
Coding change: c.616A>G on transcript NM_006514.4 (MANE Select); coding-DNA position 616, A replaced by G.
Protein change: p.Ile206Val; replaces isoleucine 206 with valine.
Molecular consequence: missense variant.
Genome position (GRCh38, 1-based): chr3:38,763,580, T>C on the plus strand (A>G on the coding strand, the complement: SCN10A is on the minus strand). VCF-style: chr3-38763580-T-C. GRCh37 (hg19) VCF-style: chr3-38805071-T-C.
Other names: c.616A>G (NM_006514.2); c.616A>G, p.Ile206Val (NM_001293306.2, NM_001293307.2); short protein forms I206V.
Identifiers: ClinVar variation 953714 (VCV000953714.2), dbSNP rs2063899867, ClinGen allele CA352172198.
Genomic context (GRCh38, chr3:38,763,580, plus strand): 5'-CTGTTTTTAATGCTCTAAGAACTCTGAATGTCCGCAGGCCTGAGATCCCACGGAGATCTA[T>C]TGCTGTGCCAACATATCTGTAGGACCAGAAGTTAGTCAGCATCTCTGCAAGCAAGGGTCC-3'
Protein context (NP_006505.4, residues 196-216): VITLAYVGTA[Ile206Val]DLRGISGLRT